The following is an entry in ClinVar:

NM_015001.3(SPEN):c.3565T>C (p.Ser1189Pro)

Gene: SPEN (spen family transcriptional repressor; plus strand). Cytogenetic location: 1p36.13.
Variant type: single nucleotide variant.
Coding change: c.3565T>C on transcript NM_015001.3 (MANE Select); coding-DNA position 3565, T replaced by C.
Protein change: p.Ser1189Pro; replaces serine 1189 with proline.
Molecular consequence: missense variant.
Genome position (GRCh38, 1-based): chr1:15,929,805, T>C. VCF-style: chr1-15929805-T-C. GRCh37 (hg19) VCF-style: chr1-16256300-T-C.
Other names: short protein forms S1189P.
Identifiers: ClinVar variation 3035453 (VCV003035453.4), dbSNP rs138674827, ClinGen allele CA619452.
Genomic context (GRCh38, chr1:15,929,805, plus strand): 5'-TACCGAAAACAAATGGAACAGAGTCGTAGGAAACAGCAGATGGAAATGGAAATAGCCAAG[T>C]CTGAGAAGTTTGGCAGTCCTAAAAAAGATGTAGATGAATATGAAAGACGTAGCCTCGTTC-3'
Protein context (NP_055816.2, residues 1179-1199): KQQMEMEIAK[Ser1189Pro]EKFGSPKKDV

ClinVar aggregate classification (germline): Likely benign. Review status: criteria provided, single submitter (1 of 4 stars). 2 submissions from 2 submitters: Likely benign (1). 1 of the submissions does not count toward it. Last evaluated 2026-06-01.

Conditions:
SPEN-related disorder. Also called: SPEN-related condition.

Allele frequency attached by ClinVar (database versions not stated): gnomAD exomes 0.00032; ExAC 0.00118; 1000 Genomes Project 0.00260; 1000 Genomes Project 30x 0.00312; gnomAD 0.00352; TOPMed 0.00379; ESP Exome Variant Server 0.00423.
gnomAD v4.1: 1,025 of 1,614,110 alleles (0.064%); highest among the groups gnomAD compares: African/African-American, 1.3%; 10 homozygotes.

Submissions (2):

CeGaT Center for Human Genetics Tuebingen
Classification: Likely benign. Last evaluated: 2026-06-01. Review status: criteria provided, single submitter. Criteria: CeGaT Center For Human Genetics Tuebingen Variant Classification Criteria Version 2. Collection method: clinical testing. Allele origin: germline. Affected: yes. Observed: 1 variant allele.
Comment: SPEN: BS1

PreventionGenetics, part of Exact Sciences
Classification: Benign for SPEN-related condition. Last evaluated: 2019-08-09. Review status: no assertion criteria provided. Collection method: clinical testing. Allele origin: germline. Not counted in ClinVar's aggregate classification.
Comment: This variant is classified as benign based on ACMG/AMP sequence variant interpretation guidelines (Richards et al. 2015 PMID: 25741868, with internal and published modifications).